The following is an entry in ClinVar:

ClinVar aggregate classification (germline): Uncertain significance. Review status: criteria provided, multiple submitters, no conflicts (2 of 4 stars). 2 submissions from 2 submitters: Uncertain significance (2). Last evaluated 2024-11-01.

Conditions:
Blepharophimosis - intellectual disability syndrome, SBBYS type (SBBYSS). Also called: Ohdo syndrome, SBBYS variant; SBBYSS syndrome; Say-Barber-Biesecker-Young-Simpson syndrome; Say-Barber-Biesecker-Young-Simpson variant of Ohdo Syndrome; Say-Barber-Biesecker Variant of Ohdo Syndrome; Say-Barber-Biesecker variant of Ohdo syndrome (SBBYSS). Identifiers: Orphanet 3047, MedGen C1863557, MONDO:0011365, OMIM 603736.

Submissions (2):

CeGaT Center for Human Genetics Tuebingen
Classification: Uncertain significance. Last evaluated: 2024-11-01. Review status: criteria provided, single submitter. Criteria: CeGaT Center For Human Genetics Tuebingen Variant Classification Criteria Version 2. Collection method: clinical testing. Allele origin: germline. Affected: yes. Observed: 1 variant allele.
Comment: KAT6B: PM2, PP3

MVZ Martinsried, Medicover Genetics
Classification: Uncertain significance for Blepharophimosis - intellectual disability syndrome, SBBYS type. Last evaluated: 2022-11-17. Review status: criteria provided, single submitter. Criteria: ACGS Guidelines, 2020. Collection method: clinical testing. Allele origin: unknown. Affected: yes.

NM_012330.4(KAT6B):c.2186A>G (p.Glu729Gly)

Gene: KAT6B (lysine acetyltransferase 6B; plus strand). Cytogenetic location: 10q22.2.
Variant type: single nucleotide variant.
Coding change: c.2186A>G on transcript NM_012330.4 (MANE Select); coding-DNA position 2186, A replaced by G.
Protein change: p.Glu729Gly; replaces glutamic acid 729 with glycine.
Molecular consequence: missense variant. On other transcripts: intron variant (2).
Genome position (GRCh38, 1-based): chr10:74,979,294, A>G. VCF-style: chr10-74979294-A-G. GRCh37 (hg19) VCF-style: chr10-76739052-A-G.
Other names: c.1637A>G, p.Glu546Gly (NM_001256468.2, NM_001370138.1); c.1310A>G, p.Glu437Gly (NM_001256469.2, NM_001370132.1, NM_001370139.1 and 3 more transcripts); c.263A>G, p.Glu88Gly (NM_001370134.1); c.2186A>G, p.Glu729Gly (NM_001370136.1, NM_001370137.1); c.1121A>G, p.Glu374Gly (NM_001370143.1, NM_001370144.1); c.846+9519A>G (NM_001370133.1); c.193-9725A>G (NM_001370135.1); short protein forms E729G, E88G, E437G, E546G, E374G.
Identifiers: ClinVar variation 1992317 (VCV001992317.25), dbSNP rs1842361320, ClinGen allele CA377292206.